The following is an entry in ClinVar:

ClinVar aggregate classification (germline): Uncertain significance (1 of 4 stars; one submission).

Submission:

CeGaT Center for Human Genetics Tuebingen
Classification: Uncertain significance. Last evaluated: 2026-07-01. Review status: criteria provided, single submitter. Criteria: CeGaT Center For Human Genetics Tuebingen Variant Classification Criteria Version 2. Collection method: clinical testing. Allele origin: germline. Affected: yes. Observed: 1 variant allele.
Comment: DLG4: PM2:Supporting, BP4

NM_001321075.3(DLG4):c.2163A>G (p.Arg721=)

Gene: DLG4 (discs large MAGUK scaffold protein 4; minus strand). Cytogenetic location: 17p13.1.
Variant type: single nucleotide variant.
Coding change: c.2163A>G on transcript NM_001321075.3 (MANE Select); coding-DNA position 2163, A replaced by G.
Protein change: p.Arg721=; no amino-acid change (arginine 721 retained).
Molecular consequence: synonymous variant. On other transcripts: non-coding transcript variant (1).
Genome position (GRCh38, 1-based): chr17:7,190,720, T>C on the plus strand (A>G on the coding strand, the complement: DLG4 is on the minus strand). VCF-style: chr17-7190720-T-C. GRCh37 (hg19) VCF-style: chr17-7094039-T-C.
Other names: c.2154A>G, p.Arg718= (NM_001128827.4); c.2283A>G, p.Arg761= (NM_001321074.1); c.1983A>G, p.Arg661= (NM_001321076.3, NM_001321077.3); c.2292A>G, p.Arg764= (NM_001365.5); c.2082A>G, p.Arg694= (NM_001369566.3).
Identifiers: ClinVar variation 5040121 (VCV005040121.1).
Genomic context (GRCh38, chr17:7,190,720, plus strand): 5'-GCCCAGGTGATGGAGGCAGGGCGAGTCCAGGCCAAGCCAGGGCAGGAATCAGAGTCTCTC[T>C]CGGGCTGGAACCCAGATGTAGGGGCCTGAGAGGTCCTCGATGACACGCTTCACCTTGTGG-3'
Protein context (NP_001308004.1, residues 711-724): LSGPYIWVPA[Arg721=]ERL